The following is an entry in ClinVar:

NM_015443.4(KANSL1):c.2938_2939del (p.Leu980fs)

Gene: KANSL1 (KAT8 regulatory NSL complex subunit 1). Cytogenetic location: 17q21.31.
Variant type: Deletion.
Coding change: c.2938_2939del on transcript NM_015443.4 (MANE Select); coding-DNA positions 2938 to 2939, 2 bases deleted.
Protein change: p.Leu980fs; shifts the reading frame from leucine 980.
Molecular consequence: frameshift variant.
Genome position: GRCh38 VCF-style: chr17-46032197-CAA-C. GRCh37 (hg19) VCF-style: chr17-44109563-CAA-C.
Other names: c.2935_2936del, p.Leu979fs (NM_001193465.2); c.2938_2939del, p.Leu980fs (NM_001193466.2, NM_001379198.1); short protein forms L979fs, L980fs.
Identifiers: ClinVar variation 620029 (VCV000620029.6), dbSNP rs1568366050, ClinGen allele CA913191107.

ClinVar aggregate classification (germline): Pathogenic. Review status: criteria provided, multiple submitters, no conflicts (2 of 4 stars). 3 submissions from 3 submitters: Pathogenic (3). Last evaluated 2024-03-13.

Conditions:
Koolen-de Vries syndrome (KDVS). Identifiers: Orphanet 96169, MedGen C1864871, MONDO:0012496, OMIM 610443.

Submissions (3):

Labcorp Genetics (formerly Invitae), Labcorp
Classification: Pathogenic for Koolen-de Vries syndrome. Last evaluated: 2024-03-13. Review status: criteria provided, single submitter. Criteria: Invitae Variant Classification Sherloc (09022015). Collection method: clinical testing. Allele origin: germline.
Comment: This sequence change creates a premature translational stop signal (p.Leu980Valfs*10) in the KANSL1 gene. It is expected to result in an absent or disrupted protein product. Loss-of-function variants in KANSL1 are known to be pathogenic (PMID: 22544363, 22544367). This variant is not present in population databases (gnomAD no frequency). This variant has not been reported in the literature in individuals affected with KANSL1-related conditions. ClinVar contains an entry for this variant (Variation ID: 620029). For these reasons, this variant has been classified as Pathogenic.

Victorian Clinical Genetics Services, Murdoch Childrens Research Institute
Classification: Pathogenic for Koolen-de Vries syndrome. Last evaluated: 2020-10-19. Review status: criteria provided, single submitter. Criteria: ACMG Guidelines, 2015. Collection method: clinical testing. Allele origin: germline. Inheritance: Autosomal dominant inheritance. Affected: yes.
Comment: Based on the classification scheme VCGS_Germline_v1.3.3, this variant is classified as Pathogenic. Following criteria are met: 0102 - Loss of function is a known mechanism of disease in this gene and is associated with Koolen-De Vries syndrome (MIM#610443). (I) 0107 - This gene is associated with autosomal dominant disease. (I) 0201 - Variant is predicted to cause nonsense-mediated decay (NMD) and loss of protein (premature termination codon is located at least 54 nucleotides upstream of the final exon-exon junction). (SP) 0251 - This variant is heterozygous. (I) 0301 - Variant is absent from gnomAD (both v2 and v3). (SP) 0701 - Other NMD-predicted variants comparable to the one identified in this case have very strong previous evidence for pathogenicity. Many other loss of function variants have previously been classified as pathogenic in individuals with Koolen-De Vries syndrome (MIM#610443) (ClinVar, Decipher). (SP) 0802 - This variant has moderate previous evidence of pathogenicity in unrelated individuals. The variant has previously been classified as pathogenic in at least one de novo individual with Koolen-De Vries syndrome (MIM#610443) (ClinVar). (SP) 0905 - No published segregation evidence has been identified for this variant. (I) 1007 - No published functional evidence has been identified for this variant. (SP) Legend: (SP) - Supporting pathogenic, (I) - Information, (SB) - Supporting benign

Cytogénomique, Hospices Civils de Lyon
Classification: Pathogenic for Koolen-de Vries syndrome. Last evaluated: 2018-07-19. Review status: criteria provided, single submitter. Criteria: ACMG Guidelines, 2015. Collection method: clinical testing. Allele origin: de novo. Inheritance: Autosomal dominant inheritance. Affected: yes.

Literature cited by the submitters: PubMed 22544363 (cited by Labcorp Genetics (formerly Invitae), Labcorp); PubMed 22544367 (cited by Labcorp Genetics (formerly Invitae), Labcorp).